The following is an entry in ClinVar:

ClinVar aggregate classification (germline): Uncertain significance (1 of 4 stars; one submission).

Allele frequency attached by ClinVar (database versions not stated): ExAC 0.00001; gnomAD exomes 0.00001; TOPMed 0.00001; gnomAD 0.00002.

Submission:

Labcorp Genetics (formerly Invitae), Labcorp
Classification: Uncertain significance. Last evaluated: 2020-10-09. Review status: criteria provided, single submitter. Criteria: Invitae Variant Classification Sherloc (09022015). Collection method: clinical testing. Allele origin: germline.
Comment: In summary, the available evidence is currently insufficient to determine the role of this variant in disease. Therefore, it has been classified as a Variant of Uncertain Significance. Experimental studies and prediction algorithms are not available or were not evaluated, and the functional significance of this variant is currently unknown. This variant has not been reported in the literature in individuals with ZNF341-related conditions. This variant is present in population databases (rs747396609, ExAC 0.002%). This sequence change results in a premature translational stop signal in the ZNF341 gene (p.Ala774Trpfs*33). While this is not anticipated to result in nonsense mediated decay, it is expected to disrupt the last 74 amino acid(s) of the ZNF341 protein.

NM_001282933.2(ZNF341):c.2337_2338del (p.Ala781fs)

Genes: ZNF341 (zinc finger protein 341; plus strand), ZNF341-AS1 (ZNF341 antisense RNA 1; minus strand). Cytogenetic location: 20q11.22.
Variant type: Deletion.
Coding change: c.2337_2338del on transcript NM_001282933.2 (MANE Select); coding-DNA positions 2337 to 2338, 2 bases deleted (AG; older notation c.2337_2338delAG).
Protein change: p.Ala781fs; shifts the reading frame from alanine 781.
Molecular consequence: frameshift variant. On other transcripts: non-coding transcript variant (1).
Genome position (GRCh38, 1-based): chr20:33,791,289-33,791,290, AG deleted. VCF-style (leftmost placement, unchanged base first): chr20-33791288-CAG-C. GRCh37 (hg19) VCF-style: chr20-32379094-CAG-C.
Other names: c.2067_2068del, p.Ala691fs (NM_001282935.2); c.2316_2317del, p.Ala774fs (NM_032819.5); short protein forms A691fs, A774fs, A781fs.
Identifiers: ClinVar variation 1059674 (VCV001059674.7), dbSNP rs747396609, ClinGen allele CA9819774.